The following is an entry in ClinVar:

ClinVar aggregate classification (germline): Uncertain significance. Review status: criteria provided, multiple submitters, no conflicts (2 of 4 stars). 2 submissions from 2 submitters: Uncertain significance (2). Last evaluated 2025-12-18.

Conditions:
DYRK1A-related intellectual disability syndrome (MRD7). Also called: Intellectual developmental disorder, autosomal dominant 7; DYRK1A Syndrome. Identifiers: Orphanet 464306, MedGen C5568143, MONDO:0013578, OMIM 614104.

Allele frequency attached by ClinVar (database versions not stated): TOPMed below 0.00001.

Submissions (2):

Genetics Department, Catlab
Classification: Uncertain significance for DYRK1A-related intellectual disability syndrome. Last evaluated: 2025-12-18. Review status: criteria provided, single submitter. Criteria: ACMG Guidelines, 2015. Collection method: clinical testing. Allele origin: germline. Affected: yes.
Comment: The c.1111C>T missense variant has a very low frequency in gnomAD v4.1 (AF= 0.00001314) (PM2_moderate). The missense z-score associated to the DYRK1A gene is 4.12 (PP2_supporting) and the REVEL score assigned to the variant is 0.05 (BP4_moderate). With all the available evidence, the variant is classified as of uncertain significance.

Labcorp Genetics (formerly Invitae), Labcorp
Classification: Uncertain significance for DYRK1A-related intellectual disability syndrome. Last evaluated: 2024-12-02. Review status: criteria provided, single submitter. Criteria: Invitae Variant Classification Sherloc (09022015). Collection method: clinical testing. Allele origin: germline.
Comment: This sequence change replaces proline, which is neutral and non-polar, with serine, which is neutral and polar, at codon 380 of the DYRK1A protein (p.Pro380Ser). This variant is not present in population databases (gnomAD no frequency). This variant has not been reported in the literature in individuals affected with DYRK1A-related conditions. ClinVar contains an entry for this variant (Variation ID: 1006246). Invitae Evidence Modeling of protein sequence and biophysical properties (such as structural, functional, and spatial information, amino acid conservation, physicochemical variation, residue mobility, and thermodynamic stability) indicates that this missense variant is expected to disrupt DYRK1A protein function with a positive predictive value of 80%. In summary, the available evidence is currently insufficient to determine the role of this variant in disease. Therefore, it has been classified as a Variant of Uncertain Significance.

NM_001347721.2(DYRK1A):c.1111C>T (p.Pro371Ser)

Gene: DYRK1A (dual specificity tyrosine phosphorylation regulated kinase 1A; plus strand). Cytogenetic location: 21q22.13.
Variant type: single nucleotide variant.
Coding change: c.1111C>T on transcript NM_001347721.2 (MANE Select); coding-DNA position 1111, C replaced by T.
Protein change: p.Pro371Ser; replaces proline 371 with serine.
Molecular consequence: missense variant.
Genome position (GRCh38, 1-based): chr21:37,496,157, C>T. VCF-style: chr21-37496157-C-T. GRCh37 (hg19) VCF-style: chr21-38868459-C-T.
Other names: c.1138C>T, p.Pro380Ser (NM_001396.5, NM_101395.2, NM_130438.2); c.1111C>T, p.Pro371Ser (NM_130436.2, NM_001347722.2); c.1024C>T, p.Pro342Ser (NM_001347723.2); short protein forms P342S, P371S, P380S.
Identifiers: ClinVar variation 1006246 (VCV001006246.10), dbSNP rs1222898147, ClinGen allele CA409936818.
Genomic context (GRCh38, chr21:37,496,157, plus strand): 5'-TTGTTTTTATTTTTAATACAGGTAGATCAGATGAATAAAATAGTGGAAGTTCTGGGTATT[C>T]CACCTGCTCATATTCTTGACCAAGCACCAAAAGCAAGAAAGTTCTTTGAGAAGTTGCCAG-3'
Protein context (NP_001334650.1, residues 361-381): MNKIVEVLGI[Pro371Ser]PAHILDQAPK